The following is an entry in ClinVar:

ClinVar aggregate classification (germline): Uncertain significance (1 of 4 stars; one submission).

Submission:

Labcorp Genetics (formerly Invitae), Labcorp
Classification: Uncertain significance. Last evaluated: 2022-09-10. Review status: criteria provided, single submitter. Criteria: Invitae Variant Classification Sherloc (09022015). Collection method: clinical testing. Allele origin: germline.
Comment: In summary, the available evidence is currently insufficient to determine the role of this variant in disease. Therefore, it has been classified as a Variant of Uncertain Significance. Algorithms developed to predict the effect of sequence changes on RNA splicing suggest that this variant may disrupt the consensus splice site. This variant has not been reported in the literature in individuals affected with COL11A2-related conditions. This variant is not present in population databases (gnomAD no frequency). This sequence change falls in intron 40 of the COL11A2 gene. It does not directly change the encoded amino acid sequence of the COL11A2 protein.

NM_080680.3(COL11A2):c.2989-7T>G

Gene: COL11A2 (collagen type XI alpha 2 chain; minus strand). Cytogenetic location: 6p21.32.
Variant type: single nucleotide variant.
Coding change: c.2989-7T>G on transcript NM_080680.3 (MANE Select); 7 bases into the intron before coding-DNA position 2989, T replaced by G.
Molecular consequence: intron variant.
Genome position (GRCh38, 1-based): chr6:33,172,110, A>C on the plus strand (T>G on the coding strand, the complement: COL11A2 is on the minus strand). VCF-style: chr6-33172110-A-C. GRCh37 (hg19) VCF-style: chr6-33139887-A-C.
Other names: c.2668-7T>G (NM_080679.3); c.2731-7T>G (NM_080681.3).
Identifiers: ClinVar variation 2029980 (VCV002029980.4), dbSNP rs2534868703, ClinGen allele CA2580074651.
Genomic context (GRCh38, chr6:33,172,110, plus strand): 5'-TGCAGGGCCAGGGGGGCCAGACGGACCTTCATTCCCCTTCAAACCAGGTCCACCCTATGA[A>C]CCAGACATTTGGGGAAGATGAGACTTCACGAAAAGAGAAGGGTGAGAGCTGGAGAGGGAA-3'